The following is an entry in ClinVar:

ClinVar aggregate classification (germline): Likely benign. Review status: criteria provided, multiple submitters, no conflicts (2 of 4 stars). 2 submissions from 2 submitters: Likely benign (2). Last evaluated 2024-02-01.

gnomAD v4.1: 2 of 1,614,154 alleles (0.00012%); no homozygotes.

Submissions (2):

CeGaT Center for Human Genetics Tuebingen
Classification: Likely benign. Last evaluated: 2024-02-01. Review status: criteria provided, single submitter. Criteria: CeGaT Center For Human Genetics Tuebingen Variant Classification Criteria Version 2. Collection method: clinical testing. Allele origin: germline. Affected: yes. Observed: 1 variant allele.
Comment: NFIA: PM2:Supporting, BP4, BP7

Labcorp Genetics (formerly Invitae), Labcorp
Classification: Likely benign. Last evaluated: 2023-12-11. Review status: criteria provided, single submitter. Criteria: Invitae Variant Classification Sherloc (09022015). Collection method: clinical testing. Allele origin: germline.

NM_001134673.4(NFIA):c.477A>G (p.Pro159=)

Gene: NFIA (nuclear factor I A; plus strand). Cytogenetic location: 1p31.3.
Variant type: single nucleotide variant.
Coding change: c.477A>G on transcript NM_001134673.4 (MANE Select); coding-DNA position 477, A replaced by G.
Protein change: p.Pro159=; no amino-acid change (proline 159 retained).
Molecular consequence: synonymous variant.
Genome position (GRCh38, 1-based): chr1:61,088,598, A>G. VCF-style: chr1-61088598-A-G. GRCh37 (hg19) VCF-style: chr1-61554270-A-G.
Other names: c.612A>G, p.Pro204= (NM_001145512.2); c.477A>G, p.Pro159= (NM_005595.5); c.453A>G, p.Pro151= (NM_001145511.2).
Identifiers: ClinVar variation 2913751 (VCV002913751.25), dbSNP rs2524201346, ClinGen allele CA418189445.